The following is an entry in ClinVar:

ClinVar aggregate classification (germline): Uncertain significance (1 of 4 stars; one submission).

Conditions:
Inborn genetic diseases. Identifiers: MedGen C0950123, MeSH D030342.

Submission:

Ambry Genetics
Classification: Uncertain significance for Inborn genetic diseases. Last evaluated: 2022-06-08. Review status: criteria provided, single submitter. Criteria: Ambry Variant Classification Scheme 2023. Collection method: clinical testing. Allele origin: germline.
Comment: The c.4547_4558del12 (p.N1516_V1519del) alteration is located in exon 1 (coding exon 1) of the TCF20 gene. This alteration consists of an in-frame deletion of 12 nucleotides between nucleotide positions c.4547 and c.4558, resulting in the deletion of <NA> residues. Based on insufficient or conflicting evidence, the clinical significance of this alteration remains unclear.

NM_001378418.1(TCF20):c.4547_4558del (p.Asn1516_Val1519del)

Gene: TCF20 (transcription factor 20; minus strand). Cytogenetic location: 22q13.2.
Variant type: Deletion.
Coding change: c.4547_4558del on transcript NM_001378418.1 (MANE Select); coding-DNA positions 4547 to 4558, 12 bases deleted (ACGATACAGTGA).
Protein change: p.Asn1516_Val1519del.
Molecular consequence: inframe deletion.
Genome position (GRCh38, 1-based): chr22:42,210,748-42,210,759, TCACTGTATCGT deleted on the plus strand (ACGATACAGTGA on the coding strand, the reverse complement: TCF20 is on the minus strand); deleting any 12 consecutive bases within chr22:42,210,748-42,210,761 gives the same sequence; the c. name uses the placement nearest the transcript's 3' end. VCF-style (leftmost placement, unchanged base first): chr22-42210747-GTCACTGTATCGT-G. GRCh37 (hg19) VCF-style: chr22-42606753-GTCACTGTATCGT-G.
Other names: c.4547_4558del, p.Asn1516_Val1519del (NM_005650.4, NM_181492.3).
Identifiers: ClinVar variation 2288391 (VCV002288391.2), dbSNP rs1569144688, ClinGen allele CA920374910.